The following is an entry in ClinVar:

NM_002386.4(MC1R):c.198C>G (p.Asn66Lys)

Gene: MC1R (melanocortin 1 receptor; plus strand). Cytogenetic location: 16q24.3.
Variant type: single nucleotide variant.
Coding change: c.198C>G on transcript NM_002386.4 (MANE Select); coding-DNA position 198, C replaced by G.
Protein change: p.Asn66Lys; replaces asparagine 66 with lysine.
Molecular consequence: missense variant.
Genome position (GRCh38, 1-based): chr16:89,919,456, C>G. VCF-style: chr16-89919456-C-G. GRCh37 (hg19) VCF-style: chr16-89985864-C-G.
Other names: short protein forms N66K.
Identifiers: ClinVar variation 3543962 (VCV003543962.1).
Genomic context (GRCh38, chr16:89,919,456, plus strand): 5'-CAGCCTGGGGCTGGTGAGCTTGGTGGAGAACGCGCTGGTGGTGGCCACCATCGCCAAGAA[C>G]CGGAACCTGCACTCACCCATGTACTGCTTCATCTGCTGCCTGGCCTTGTCGGACCTGCTG-3'
Protein context (NP_002377.4, residues 56-76): NALVVATIAK[Asn66Lys]RNLHSPMYCF

ClinVar aggregate classification (germline): Uncertain significance (1 of 4 stars; one submission).

Submission:

Ambry Genetics
Classification: Uncertain significance. Last evaluated: 2024-11-24. Review status: criteria provided, single submitter. Criteria: Ambry Variant Classification Scheme 2023. Collection method: clinical testing. Allele origin: germline.
Comment: The p.N66K variant (also known as c.198C>G), located in coding exon 1 of the MC1R gene, results from a C to G substitution at nucleotide position 198. The asparagine at codon 66 is replaced by lysine, an amino acid with similar properties. This amino acid position is conserved. In addition, this alteration is predicted to be tolerated by in silico analysis. Based on the available evidence, the clinical significance of this variant remains unclear.